The following is an entry in ClinVar:

ClinVar aggregate classification (germline): Pathogenic (1 of 4 stars; one submission).

Submission:

GeneDx
Classification: Pathogenic. Last evaluated: 2015-09-17. Review status: criteria provided, single submitter. Criteria: GeneDx Variant Classification (06012015). Collection method: clinical testing. Allele origin: germline. Affected: yes.
Comment: The pathogenic c.672-2 A>T splice site variant in the IKBKG gene destroys the canonical splice acceptor site in intron 5. It is predicted to cause abnormal gene splicing, either leading to an abnormal message that is subject to nonsense-mediated mRNA decay, or to an abnormal protein product if the message is used for protein translation. Although this variant has not been previously reported to our knowledge, we consider it to be pathogenic.

NM_001099857.5(IKBKG):c.672-2A>T

Gene: IKBKG (inhibitor of nuclear factor kappa B kinase regulatory subunit gamma; plus strand). Cytogenetic location: Xq28.
Variant type: single nucleotide variant.
Coding change: c.672-2A>T on transcript NM_001099857.5 (MANE Select); the canonical splice acceptor site of the intron before coding-DNA position 672, A replaced by T.
Molecular consequence: splice acceptor variant. On other transcripts: intron variant (1).
Genome position (GRCh38, 1-based): chrX:154,561,686, A>T. VCF-style: chrX-154561686-A-T. GRCh37 (hg19) VCF-style: chrX-153789901-A-T.
Other names: c.672-2A>T (NM_001377312.1, NM_001321396.3, NM_003639.4); c.669-2A>T (NM_001377313.1, NM_001321397.3); c.876-2A>T (NM_001099856.6); c.519-2A>T (NM_001145255.4); c.516-2A>T (NM_001377314.1); c.400-1124A>T (NM_001377315.1).
Identifiers: ClinVar variation 429745 (VCV000429745.2), dbSNP rs1057517746, ClinGen allele CA415215142.